The following is an entry in ClinVar:

NM_000059.4(BRCA2):c.644A>C (p.Glu215Ala)

Gene: BRCA2 (BRCA2 DNA repair associated; plus strand). Cytogenetic location: 13q13.1.
Variant type: single nucleotide variant.
Coding change: c.644A>C on transcript NM_000059.4 (MANE Select); coding-DNA position 644, A replaced by C.
Protein change: p.Glu215Ala; replaces glutamic acid 215 with alanine.
Molecular consequence: missense variant. On other transcripts: non-coding transcript variant (1).
Genome position (GRCh38, 1-based): chr13:32,329,455, A>C. VCF-style: chr13-32329455-A-C. GRCh37 (hg19) VCF-style: chr13-32903592-A-C.
Other names: c.644A>C, p.Glu215Ala (NM_001406719.1, NM_001406720.1, NM_001406721.1 and 1 more transcripts); c.275A>C, p.Glu92Ala (NM_001406722.1); short protein forms E215A, E92A.
Identifiers: ClinVar variation 4537111 (VCV004537111.1).
Genomic context (GRCh38, chr13:32,329,455, plus strand): 5'-TTGCATTCTAGTGATAATATACAATACACATAAATTTTTATCTTACAGTCAGAAATGAAG[A>C]AGCATCTGAAACTGTATTTCCTCATGATACTACTGCTGTAAGTAAATATGACATTGATTA-3'
Protein context (NP_000050.3, residues 205-225): SSTVLIVRNE[Glu215Ala]ASETVFPHDT

ClinVar aggregate classification (germline): Uncertain significance (1 of 4 stars; one submission).

Submission:

Women's Health and Genetics/Laboratory Corporation of America, LabCorp
Classification: Uncertain significance. Last evaluated: 2025-11-04. Review status: criteria provided, single submitter. Criteria: LabCorp Variant Classification Summary - May 2015. Collection method: clinical testing. Allele origin: germline.
Comment: Variant summary: BRCA2 c.644A>C (p.Glu215Ala) results in a non-conservative amino acid change in the encoded protein sequence. Algorithms developed to predict the effect of missense changes on protein structure and function are either unavailable or do not agree on the potential impact of this missense change. The variant was absent in 244738 control chromosomes. The available data on variant occurrences in the general population are insufficient to allow any conclusion about variant significance. To our knowledge, no occurrence of c.644A>C in individuals affected with BRCA2-related conditions and no experimental evidence demonstrating its impact on protein function have been reported. No submitters have cited clinical-significance assessments for this variant to ClinVar. Based on the evidence outlined above, the variant was classified as uncertain significance.